The following is an entry in ClinVar:

ClinVar aggregate classification (germline): Likely pathogenic (1 of 4 stars; one submission).

Submission:

Labcorp Genetics (formerly Invitae), Labcorp
Classification: Likely pathogenic. Last evaluated: 2023-06-20. Review status: criteria provided, single submitter. Criteria: Invitae Variant Classification Sherloc (09022015). Collection method: clinical testing. Allele origin: germline.
Comment: In summary, the currently available evidence indicates that the variant is pathogenic, but additional data are needed to prove that conclusively. Therefore, this variant has been classified as Likely Pathogenic. Algorithms developed to predict the effect of sequence changes on RNA splicing suggest that this variant may disrupt the consensus splice site. This variant has not been reported in the literature in individuals affected with COL7A1-related conditions. This variant is not present in population databases (gnomAD no frequency). This sequence change affects a donor splice site in intron 29 of the COL7A1 gene. It is expected to disrupt RNA splicing. Variants that disrupt the donor or acceptor splice site typically lead to a loss of protein function (PMID: 16199547), and loss-of-function variants in COL7A1 are known to be pathogenic (PMID: 16971478).

Literature cited by the submitters: PubMed 16199547; PubMed 16971478.

NM_000094.4(COL7A1):c.3786+1G>A

Gene: COL7A1 (collagen type VII alpha 1 chain; minus strand). Cytogenetic location: 3p21.31.
Variant type: single nucleotide variant.
Coding change: c.3786+1G>A on transcript NM_000094.4 (MANE Select); the canonical splice donor site of the intron after coding-DNA position 3786, G replaced by A.
Molecular consequence: splice donor variant.
Genome position (GRCh38, 1-based): chr3:48,585,829, C>T on the plus strand (G>A on the coding strand, the complement: COL7A1 is on the minus strand). VCF-style: chr3-48585829-C-T. GRCh37 (hg19) VCF-style: chr3-48623262-C-T.
Identifiers: ClinVar variation 2904641 (VCV002904641.3), dbSNP rs2531197015, ClinGen allele CA352701912.
Genomic context (GRCh38, chr3:48,585,829, plus strand): 5'-ACCTCTCCTGCCCCACTGACACTCAACCCATTCTCTATTCCCCGCCCGCAGGGGCACTCA[C>T]CATCTCTCCAGGTTCCCCCTTCTGGCCCTGGGGAAAGACATGTCAGATGTGGGTCAGAGT-3'